The following is an entry in ClinVar:

ClinVar aggregate classification (germline): Likely benign (1 of 4 stars; one submission).

Allele frequency attached by ClinVar (database versions not stated): TOPMed below 0.00001.
gnomAD v4.1: 1 of 470,836 alleles (0.00021%); highest among the groups gnomAD compares: Non-Finnish European, 0.00044%; no homozygotes.

Submission:

CeGaT Center for Human Genetics Tuebingen
Classification: Likely benign. Last evaluated: 2022-06-01. Review status: criteria provided, single submitter. Criteria: CeGaT Center For Human Genetics Tuebingen Variant Classification Criteria Version 2. Collection method: clinical testing. Allele origin: germline. Affected: yes. Observed: 1 variant allele.
Comment: HMCN2: PM2:Supporting, BP4, BP7

NM_001291815.2(HMCN2):c.1335G>C (p.Leu445=)

Gene: HMCN2 (hemicentin 2; plus strand). Cytogenetic location: 9q34.11.
Variant type: single nucleotide variant.
Coding change: c.1335G>C on transcript NM_001291815.2 (MANE Select); coding-DNA position 1335, G replaced by C.
Protein change: p.Leu445=; no amino-acid change (leucine 445 retained).
Molecular consequence: synonymous variant.
Genome position (GRCh38, 1-based): chr9:130,302,915, G>C. VCF-style: chr9-130302915-G-C. GRCh37 (hg19) VCF-style: chr9-133065194-G-C.
Identifiers: ClinVar variation 2659582 (VCV002659582.24), dbSNP rs1554935048, ClinGen allele CA467381115.